The following is an entry in ClinVar:

ClinVar aggregate classification (germline): Uncertain significance (1 of 4 stars; one submission).

Conditions:
Hereditary cancer-predisposing syndrome. Also called: Hereditary Cancer Syndrome; Hereditary neoplastic syndrome; Neoplastic Syndromes, Hereditary; Tumor predisposition. Identifiers: Orphanet 140162, MedGen C0027672, MeSH D009386, MONDO:0015356.

Submission:

Ambry Genetics
Classification: Uncertain significance for Hereditary cancer-predisposing syndrome. Last evaluated: 2025-08-28. Review status: criteria provided, single submitter. Criteria: Ambry Variant Classification Scheme 2023. Collection method: clinical testing. Allele origin: germline.
Comment: The p.N494S variant (also known as c.1481A>G), located in coding exon 10 of the FLCN gene, results from an A to G substitution at nucleotide position 1481. The asparagine at codon 494 is replaced by serine, an amino acid with highly similar properties. This variant was detected in an individual with a history of papillary renal cell carcinoma, fibrofolliculoma, and papillary thyroid carcinoma (Dong L et al. Medicine (Baltimore), 2016 May;95:e3695). This amino acid position is highly conserved in available vertebrate species. In addition, this alteration is predicted to be tolerated by in silico analysis. Based on the available evidence, the clinical significance of this variant remains unclear.

Literature cited by the submitters: PubMed 27258496.

NM_144997.7(FLCN):c.1481A>G (p.Asn494Ser)

Gene: FLCN (folliculin; minus strand). Cytogenetic location: 17p11.2.
Variant type: single nucleotide variant.
Coding change: c.1481A>G on transcript NM_144997.7 (MANE Select); coding-DNA position 1481, A replaced by G.
Protein change: p.Asn494Ser; replaces asparagine 494 with serine.
Molecular consequence: missense variant.
Genome position (GRCh38, 1-based): chr17:17,215,042, T>C on the plus strand (A>G on the coding strand, the complement: FLCN is on the minus strand). VCF-style: chr17-17215042-T-C. GRCh37 (hg19) VCF-style: chr17-17118356-T-C.
Other names: c.1535A>G, p.Asn512Ser (NM_001353229.2); c.1481A>G, p.Asn494Ser (NM_001353230.2, NM_001353231.2); short protein forms N494S, N512S.
Identifiers: ClinVar variation 4257912 (VCV004257912.1).
Genomic context (GRCh38, chr17:17,215,042, plus strand): 5'-TACTTCATCCACTCCTCCTTGAGGCAGACGAGGCACTGGTCCACCACATCCACAGACAGG[T>C]TCTGGTTGGTCAGAGCCGCTTCAATCTTATTCAGGATGGTGGGGCCCACTGGGGAGAAGG-3'
Protein context (NP_659434.2, residues 484-504): NKIEAALTNQ[Asn494Ser]LSVDVVDQCL